The following is an entry in ClinVar:

NM_024675.4(PALB2):c.2506G>C (p.Val836Leu)

Gene: PALB2 (partner and localizer of BRCA2; minus strand). Cytogenetic location: 16p12.2.
Variant type: single nucleotide variant.
Coding change: c.2506G>C on transcript NM_024675.4 (MANE Select); coding-DNA position 2506, G replaced by C.
Protein change: p.Val836Leu; replaces valine 836 with leucine.
Molecular consequence: missense variant.
Genome position (GRCh38, 1-based): chr16:23,629,648, C>G on the plus strand (G>C on the coding strand, the complement: PALB2 is on the minus strand). VCF-style: chr16-23629648-C-G. GRCh37 (hg19) VCF-style: chr16-23640969-C-G.
Other names: short protein forms V836L.
Identifiers: ClinVar variation 231405 (VCV000231405.21), dbSNP rs536644825, ClinGen allele CA7963565.

ClinVar aggregate classification (germline): Conflicting classifications of pathogenicity. Review status: criteria provided, conflicting classifications (1 of 4 stars). 6 submissions from 6 submitters: Uncertain significance (4); Likely benign (2). Last evaluated 2026-01-05.

Conditions:
B lymphoblastic leukemia lymphoma with t(12;21)(p13;q22); TEL-AML1 (ETV6-RUNX1). Also called: B Lymphoblastic Leukemia/Lymphoma with t(12;21)(p13.2;q22.1); ETV6-RUNX1. Identifiers: MedGen C2698314.
Hereditary cancer-predisposing syndrome. Also called: Hereditary Cancer Syndrome; Neoplastic Syndromes, Hereditary; Tumor predisposition; Hereditary neoplastic syndrome. Identifiers: Orphanet 140162, MedGen C0027672, MeSH D009386, MONDO:0015356.
Fanconi anemia complementation group N. Also called: PALB2-Related Fanconi Anemia. Identifiers: Orphanet 84, MedGen C1835817, MONDO:0012565, OMIM 610832. Disease mechanism: loss of function.
Pancreatic cancer, susceptibility to, 3. Identifiers: Orphanet 1333, MedGen C3150547, MONDO:0013236, OMIM 613348.
Familial cancer of breast. Also called: Hereditary breast cancer; hereditary breast carcinoma; BREAST CANCER, FAMILIAL. Identifiers: Orphanet 227535, MedGen C0346153, MONDO:0016419, OMIM 114480. Disease mechanism: loss of function.

Allele frequency attached by ClinVar (database versions not stated): TOPMed 0.00001; gnomAD 0.00006.

Submissions (6):

Labcorp Genetics (formerly Invitae), Labcorp
Classification: Uncertain significance for Familial cancer of breast. Last evaluated: 2026-01-05. Review status: criteria provided, single submitter. Criteria: Invitae Variant Classification Sherloc (09022015). Collection method: clinical testing. Allele origin: germline.
Comment: This sequence change replaces valine, which is neutral and non-polar, with leucine, which is neutral and non-polar, at codon 836 of the PALB2 protein (p.Val836Leu). This variant is present in population databases (rs536644825, gnomAD 0.008%). This variant has not been reported in the literature in individuals affected with PALB2-related conditions. ClinVar contains an entry for this variant (Variation ID: 231405). Invitae Evidence Modeling of protein sequence and biophysical properties (such as structural, functional, and spatial information, amino acid conservation, physicochemical variation, residue mobility, and thermodynamic stability) indicates that this missense variant is not expected to disrupt PALB2 protein function with a negative predictive value of 80%. In summary, the available evidence is currently insufficient to determine the role of this variant in disease. Therefore, it has been classified as a Variant of Uncertain Significance.

Myriad Genetics, Inc.
Classification: Likely benign for Familial cancer of breast. Last evaluated: 2024-08-20. Review status: criteria provided, single submitter. Criteria: Myriad Autosomal Dominant, Autosomal Recessive and X-Linked Classification Criteria (2023). Collection method: clinical testing. Allele origin: unknown.
Comment: This variant is considered likely benign. This variant is strongly associated with less severe personal and family histories of cancer, typical for individuals without pathogenic variants in this gene [PMID: 25085752].

Ambry Genetics
Classification: Likely benign for Hereditary cancer-predisposing syndrome. Last evaluated: 2024-03-28. Review status: criteria provided, single submitter. Criteria: Ambry Variant Classification Scheme 2023. Collection method: clinical testing. Allele origin: germline.

Color Diagnostics, LLC DBA Color Health
Classification: Uncertain significance for Hereditary cancer-predisposing syndrome. Last evaluated: 2022-11-01. Review status: criteria provided, single submitter. Criteria: ACMG Guidelines, 2015. Collection method: clinical testing. Allele origin: germline.
Comment: This missense variant replaces valine with leucine at codon 836 of the PALB2 protein. Computational prediction suggests that this variant may not impact protein structure and function (internally defined REVEL score threshold <= 0.5, PMID: 27666373). To our knowledge, functional studies have not been reported for this variant. This variant has been detected in a breast cancer case-control meta-analysis in 0/60466 cases and 1/53461 unaffected individuals (PMID: 33471991; Leiden Open Variation Database DB-ID PALB2_010885). This variant has been identified in 3/282128 chromosomes in the general population by the Genome Aggregation Database (gnomAD). The available evidence is insufficient to determine the role of this variant in disease conclusively. Therefore, this variant is classified as a Variant of Uncertain Significance.

Fulgent Genetics
Classification: Uncertain significance for Familial cancer of breast; Fanconi anemia complementation group N; Pancreatic cancer, susceptibility to, 3. Last evaluated: 2022-04-27. Review status: criteria provided, single submitter. Criteria: ACMG Guidelines, 2015. Collection method: clinical testing. Allele origin: unknown.

St. Jude Molecular Pathology, St. Jude Children's Research Hospital
Classification: Uncertain significance for B Lymphoblastic Leukemia/Lymphoma with t(12;21)(p13.2;q22.1); ETV6-RUNX1. Last evaluated: 2016-08-10. Review status: criteria provided, single submitter. Criteria: ACMG Guidelines, 2015. Collection method: clinical testing. Allele origin: germline. Affected: yes.

Literature cited by the submitters: PubMed 25085752 (cited by Myriad Genetics, Inc.); PubMed 33471991 (cited by Color Diagnostics, LLC DBA Color Health).